The following is an entry in ClinVar:

NM_000090.4(COL3A1):c.289C>T (p.Arg97Cys)

Gene: COL3A1 (collagen type III alpha 1 chain; plus strand). Cytogenetic location: 2q32.2.
Variant type: single nucleotide variant.
Coding change: c.289C>T on transcript NM_000090.4 (MANE Select); coding-DNA position 289, C replaced by T.
Protein change: p.Arg97Cys; replaces arginine 97 with cysteine.
Molecular consequence: missense variant.
Genome position (GRCh38, 1-based): chr2:188,985,203, C>T. VCF-style: chr2-188985203-C-T. GRCh37 (hg19) VCF-style: chr2-189849929-C-T.
Other names: short protein forms R97C.
Identifiers: ClinVar variation 697136 (VCV000697136.20), dbSNP rs768671254, ClinGen allele CA075693.

ClinVar aggregate classification (germline): Conflicting classifications of pathogenicity. Review status: criteria provided, conflicting classifications (1 of 4 stars). 6 submissions from 6 submitters: Uncertain significance (2); Likely benign (4). Last evaluated 2025-12-21.

Conditions:
Familial thoracic aortic aneurysm and aortic dissection (TAAD). Also called: Thoracic aortic aneurysms and dissections. Identifiers: Orphanet 91387, MedGen C4707243, MONDO:0019625.
Ehlers-Danlos syndrome, type 4 (EDSVASC). Also called: Ehlers-Danlos syndrome vascular type; Ehlers Danlos syndrome, ecchymotic type; Ehlers Danlos syndrome, arterial type; Ehlers Danlos syndrome, Sack-Barabas type; Ehlers-Danlos Syndrome Type IV. Identifiers: Orphanet 286, MedGen C0268338, MONDO:0017314, OMIM 130050.

Allele frequency attached by ClinVar (database versions not stated): gnomAD 0.00001; gnomAD exomes 0.00003 and 0.00012; TOPMed 0.00010; ExAC 0.00012.
gnomAD v4.1: 50 of 1,612,204 alleles (0.0031%); highest among the groups gnomAD compares: Admixed American, 0.05%; no homozygotes.

Submissions (6):

Ambry Genetics
Classification: Likely benign for Familial thoracic aortic aneurysm and aortic dissection. Last evaluated: 2025-12-21. Review status: criteria provided, single submitter. Criteria: Ambry Variant Classification Scheme 2023. Collection method: clinical testing. Allele origin: germline.

Labcorp Genetics (formerly Invitae), Labcorp
Classification: Likely benign for Ehlers-Danlos syndrome, type 4. Last evaluated: 2025-10-13. Review status: criteria provided, single submitter. Criteria: Invitae Variant Classification Sherloc (09022015). Collection method: clinical testing. Allele origin: germline.

GeneDx
Classification: Uncertain significance. Last evaluated: 2025-07-17. Review status: criteria provided, single submitter. Criteria: GeneDx Variant Classification Process June 2021. Collection method: clinical testing. Allele origin: germline. Affected: yes.
Comment: Has not been previously published as pathogenic or benign to our knowledge; In silico analysis suggests that this missense variant does not alter protein structure/function; Not located in the triple helical region, where the majority of pathogenic missense variants occur (HGMD)

Women's Health and Genetics/Laboratory Corporation of America, LabCorp
Classification: Likely benign. Last evaluated: 2023-12-11. Review status: criteria provided, single submitter. Criteria: LabCorp Variant Classification Summary - May 2015. Collection method: clinical testing. Allele origin: germline.
Comment: Variant summary: COL3A1 c.289C>T (p.Arg97Cys) results in a non-conservative amino acid change in the encoded protein sequence. Four of five in-silico tools predict a benign effect of the variant on protein function. The variant allele was found at a frequency of 0.00012 in 250826 control chromosomes. The observed variant frequency is approximately 92 fold of the estimated maximal expected allele frequency for a pathogenic variant in COL3A1 causing Aortopathy phenotype (1.3e-06), strongly suggesting that the variant is benign. To our knowledge, no occurrence of c.289C>T in individuals affected with Aortopathy and no experimental evidence demonstrating its impact on protein function have been reported. Three submitters have cited clinical-significance assessments for this variant to ClinVar after 2014 and classified as likely benign (n=2) and VUS (n=1). Based on the evidence outlined above, the variant was classified as likely benign.

Blueprint Genetics
Classification: Uncertain significance. Last evaluated: 2022-06-13. Review status: criteria provided, single submitter. Criteria: ACMG Guidelines, 2015. Collection method: clinical testing. Allele origin: germline.

Color Diagnostics, LLC DBA Color Health
Classification: Likely benign for Familial thoracic aortic aneurysm and aortic dissection. Last evaluated: 2020-07-22. Review status: criteria provided, single submitter. Criteria: ACMG Guidelines, 2015. Collection method: clinical testing. Allele origin: germline.